The following is an entry in ClinVar:

NM_001145358.2(SIN3A):c.2197G>C (p.Gly733Arg)

Gene: SIN3A (SIN3 transcription regulator family member A; minus strand). Cytogenetic location: 15q24.2.
Variant type: single nucleotide variant.
Coding change: c.2197G>C on transcript NM_001145358.2 (MANE Select); coding-DNA position 2197, G replaced by C.
Protein change: p.Gly733Arg; replaces glycine 733 with arginine.
Molecular consequence: missense variant.
Genome position (GRCh38, 1-based): chr15:75,394,760, C>G on the plus strand (G>C on the coding strand, the complement: SIN3A is on the minus strand). VCF-style: chr15-75394760-C-G. GRCh37 (hg19) VCF-style: chr15-75687101-C-G.
Other names: c.2197G>C, p.Gly733Arg (NM_001145357.2, NM_015477.3); short protein forms G733R.
Identifiers: ClinVar variation 1307207 (VCV001307207.4), dbSNP rs1567338837, ClinGen allele CA393494335.

ClinVar aggregate classification (germline): Uncertain significance. Review status: criteria provided, multiple submitters, no conflicts (2 of 4 stars). 2 submissions from 2 submitters: Uncertain significance (2). Last evaluated 2021-11-28.

Conditions:
SIN3A-related intellectual disability syndrome due to a point mutation. Also called: WITTEVEEN-KOLK SYNDROME; 15q24 Microdeletion Syndrome. Identifiers: Orphanet 500166, Orphanet 94065, MedGen C4310804, MONDO:0044700, OMIM 613406.

Submissions (2):

Revvity Omics, Revvity
Classification: Uncertain significance for SIN3A-related intellectual disability syndrome due to a point mutation. Last evaluated: 2021-11-28. Review status: criteria provided, single submitter. Criteria: ACMG Guidelines, 2015. Collection method: clinical testing. Allele origin: germline.

GeneDx
Classification: Uncertain significance. Last evaluated: 2019-07-22. Review status: criteria provided, single submitter. Criteria: GeneDx Variant Classification Process June 2021. Collection method: clinical testing. Allele origin: germline. Affected: yes.
Comment: Not observed in large population cohorts (Lek et al., 2016); In silico analysis, which includes protein predictors and evolutionary conservation, supports a deleterious effect; Has not been previously published as pathogenic or benign to our knowledge